The following is an entry in ClinVar:

NM_016089.3(ZNF589):c.96+9G>A

Gene: ZNF589 (zinc finger protein 589; plus strand). Cytogenetic location: 3p21.31.
Variant type: single nucleotide variant.
Coding change: c.96+9G>A on transcript NM_016089.3 (MANE Select); 9 bases into the intron after coding-DNA position 96, G replaced by A.
Molecular consequence: intron variant.
Genome position (GRCh38, 1-based): chr3:48,247,686, G>A. VCF-style: chr3-48247686-G-A. GRCh37 (hg19) VCF-style: chr3-48289176-G-A.
Identifiers: ClinVar variation 728323 (VCV000728323.5), dbSNP rs144306767, ClinGen allele CA2372511.

ClinVar aggregate classification (germline): Benign. Review status: criteria provided, single submitter (1 of 4 stars). 2 submissions from 2 submitters: Benign (1). 1 of the submissions does not count toward it. Last evaluated 2018-06-14.

Conditions:
ZNF589-related disorder. Also called: ZNF589-related condition.

Allele frequency attached by ClinVar (database versions not stated): gnomAD exomes 0.00021 and 0.00041; ExAC 0.00039; ESP Exome Variant Server 0.00109; gnomAD 0.00121 and 0.00122; TOPMed 0.00162; 1000 Genomes Project 0.00240; 1000 Genomes Project 30x 0.00265.
gnomAD v4.1: 544 of 1,612,672 alleles (0.034%); highest among the groups gnomAD compares: African/African-American, 0.31%; 2 homozygotes.

Submissions (2):

Labcorp Genetics (formerly Invitae), Labcorp
Classification: Benign. Last evaluated: 2018-06-14. Review status: criteria provided, single submitter. Criteria: Invitae Variant Classification Sherloc (09022015). Collection method: clinical testing. Allele origin: germline.

PreventionGenetics, part of Exact Sciences
Classification: Likely benign for ZNF589-related condition. Last evaluated: 2019-07-11. Review status: no assertion criteria provided. Collection method: clinical testing. Allele origin: germline. Not counted in ClinVar's aggregate classification.
Comment: This variant is classified as likely benign based on ACMG/AMP sequence variant interpretation guidelines (Richards et al. 2015 PMID: 25741868, with internal and published modifications).